The following is an entry in ClinVar:

NM_004655.4(AXIN2):c.-7_-1del

Gene: AXIN2 (axin 2; minus strand). Cytogenetic location: 17q24.1.
Variant type: Deletion.
Coding change: c.-7_-1del on transcript NM_004655.4 (MANE Select); 7 bases upstream of the start codon through 1 bases upstream of the start codon, 7 bases deleted (CCTCACC; older notation c.-7_-1delCCTCACC).
Molecular consequence: 5 prime UTR variant.
Genome position (GRCh38, 1-based): chr17:65,558,621-65,558,627, GGTGAGG deleted on the plus strand (CCTCACC on the coding strand, the reverse complement: AXIN2 is on the minus strand); deleting any 7 consecutive bases within chr17:65,558,621-65,558,628 gives the same sequence; the c. name uses the placement nearest the transcript's 3' end. VCF-style (leftmost placement, unchanged base first): chr17-65558620-TGGTGAGG-T. GRCh37 (hg19) VCF-style: chr17-63554738-TGGTGAGG-T.
Other names: c.-7_-1del (NM_001363813.1); c.-7_-1delCCTCACC (NM_004655.3).
Identifiers: ClinVar variation 5032503 (VCV005032503.1).
Genomic context (GRCh38, chr17:65,558,620, plus strand): 5'-CATCCTCACGGAAGCTGCTGCTGGGGTCCGGGAGGCAAGTCACCAACATAGCGCTACTCA[TGGTGAGG>T]GAGCTCTTCCCACTGAGTCTGGGAATTTTTCTTCTTCCAGTTCCTCTCAGCAATCGGCGT-3'

ClinVar aggregate classification (germline): Uncertain significance (1 of 4 stars; one submission).

Conditions:
Hereditary cancer-predisposing syndrome. Also called: Neoplastic Syndromes, Hereditary; Tumor predisposition; Hereditary neoplastic syndrome; Hereditary Cancer Syndrome. Identifiers: Orphanet 140162, MedGen C0027672, MeSH D009386, MONDO:0015356.

Submission:

Ambry Genetics
Classification: Uncertain significance for Hereditary cancer-predisposing syndrome. Last evaluated: 2026-06-29. Review status: criteria provided, single submitter. Criteria: Ambry Variant Classification Scheme 2023. Collection method: clinical testing. Allele origin: germline.
Comment: The c.-7_-1delCCTCACC variant is located in the 5' untranslated region (5&rsquo;UTR) of the AXIN2 gene. This variant results from a deletion of 7 nucleotides upstream from the first translated codon. This nucleotide region is not well conserved in available vertebrate species. Based on the available evidence, the clinical significance of this variant remains unclear.